The following is an entry in ClinVar:

ClinVar aggregate classification (germline): Uncertain significance (1 of 4 stars; one submission).

Conditions:
Cerebellar ataxia. Identifiers: Orphanet 102002, MedGen C0007758, MONDO:0000437.
Peripheral neuropathy. Also called: Neuropathy. Identifiers: MedGen C0031117, MONDO:0005244, HP:0009830.

Submission:

Laboratorio de Genetica e Diagnostico Molecular, Hospital Israelita Albert Einstein
Classification: Uncertain significance for Ataxia; Peripheral neuropathy. Last evaluated: 2021-07-27. Review status: criteria provided, single submitter. Criteria: ACMG Guidelines, 2015. Collection method: clinical testing. Allele origin: germline. Affected: yes.
Comment: ACMG classification criteria: PM2 moderate, PP2 supporting, BP4 supporting

NM_001278116.2(L1CAM):c.898C>G (p.Leu300Val)

Gene: L1CAM (L1 cell adhesion molecule; minus strand). Cytogenetic location: Xq28.
Variant type: single nucleotide variant.
Coding change: c.898C>G on transcript NM_001278116.2 (MANE Select); coding-DNA position 898, C replaced by G.
Protein change: p.Leu300Val; replaces leucine 300 with valine.
Molecular consequence: missense variant.
Genome position (GRCh38, 1-based): chrX:153,870,149, G>C on the plus strand (C>G on the coding strand, the complement: L1CAM is on the minus strand). VCF-style: chrX-153870149-G-C. GRCh37 (hg19) VCF-style: chrX-153135604-G-C.
Other names: c.898C>G, p.Leu300Val (NM_000425.5, NM_024003.3); c.883C>G, p.Leu295Val (NM_001143963.2); short protein forms L295V, L300V.
Identifiers: ClinVar variation 1683717 (VCV001683717.2), dbSNP rs2148497936, ClinGen allele CA415132084.